The following is an entry in ClinVar:

ClinVar aggregate classification (germline): Likely benign. Review status: criteria provided, multiple submitters, no conflicts (2 of 4 stars). 2 submissions from 2 submitters: Likely benign (2). Last evaluated 2024-02-22.

Conditions:
Cardiovascular phenotype. Identifiers: MedGen CN230736.
Arrhythmogenic right ventricular cardiomyopathy (ARVD). Also called: Cardiomyopathy, ARVC; Arrhythmogenic right ventricular dysplasia; Arrhythmogenic cardiomyopathy; Arrhythmogenic Right Ventricular Cardiomyopathy (ARVC). Identifiers: Orphanet 247, MedGen C0349788, MeSH D019571, MONDO:0016587. Disease mechanism: loss of function. Inheritance: Various modes of inheritance.

Submissions (2):

All of Us Research Program, National Institutes of Health
Classification: Likely benign for Arrhythmogenic right ventricular cardiomyopathy. Last evaluated: 2024-02-22. Review status: criteria provided, single submitter. Criteria: ACMG Guidelines, 2015. Collection method: clinical testing. Allele origin: germline. Inheritance: Autosomal dominant inheritance. Observed: 1 variant allele, 1 heterozygote.
Comment: This study involves interpretation of variants in research participants for the purpose of population health screening. Participant phenotype was not available at the time of variant classification. Additional details can be found in publication PMID: 35346344, PMCID: PMC8962531

Ambry Genetics
Classification: Likely benign for Cardiovascular phenotype. Last evaluated: 2020-05-18. Review status: criteria provided, single submitter. Criteria: Ambry Variant Classification Scheme 2023. Collection method: clinical testing. Allele origin: germline.

NM_001943.5(DSG2):c.15G>A (p.Pro5=)

Genes: DSG2 (desmoglein 2; plus strand), LOC130062340 (ATAC-STARR-seq lymphoblastoid silent region 9384; plus strand). Cytogenetic location: 18q12.1.
Variant type: single nucleotide variant.
Coding change: c.15G>A on transcript NM_001943.5 (MANE Select); coding-DNA position 15, G replaced by A.
Protein change: p.Pro5=; no amino-acid change (proline 5 retained).
Molecular consequence: synonymous variant.
Genome position (GRCh38, 1-based): chr18:31,498,266, G>A. VCF-style: chr18-31498266-G-A. GRCh37 (hg19) VCF-style: chr18-29078229-G-A.
Identifiers: ClinVar variation 1776149 (VCV001776149.3), dbSNP rs772663614, ClinGen allele CA503595720.